The following is an entry in ClinVar:

NM_021072.4(HCN1):c.1739G>A (p.Arg580Lys)

Gene: HCN1 (hyperpolarization activated cyclic nucleotide gated potassium channel 1; minus strand). Cytogenetic location: 5p12.
Variant type: single nucleotide variant.
Coding change: c.1739G>A on transcript NM_021072.4 (MANE Select); coding-DNA position 1739, G replaced by A.
Protein change: p.Arg580Lys; replaces arginine 580 with lysine.
Molecular consequence: missense variant.
Genome position (GRCh38, 1-based): chr5:45,267,133, C>T on the plus strand (G>A on the coding strand, the complement: HCN1 is on the minus strand). VCF-style: chr5-45267133-C-T. GRCh37 (hg19) VCF-style: chr5-45267235-C-T.
Other names: short protein forms R580K.
Identifiers: ClinVar variation 1309054 (VCV001309054.2), dbSNP rs2111846721, ClinGen allele CA359705748.
Genomic context (GRCh38, chr5:45,267,133, plus strand): 5'-TAGAAAACTAGAGTACCTATTCGATCTAGTCGGTCAATGGCAACTGTCTCAAAGGCTCTC[C>T]TCATCATTGGATATTCCTCCAGGACCTCGTTGAAATTGTCCACGGAAAGTGAGTAAAGAC-3'
Protein context (NP_066550.2, residues 570-590): NEVLEEYPMM[Arg580Lys]RAFETVAIDR

ClinVar aggregate classification (germline): Uncertain significance (1 of 4 stars; one submission).

Submission:

GeneDx
Classification: Uncertain significance. Last evaluated: 2019-10-03. Review status: criteria provided, single submitter. Criteria: GeneDx Variant Classification Process June 2021. Collection method: clinical testing. Allele origin: germline. Affected: yes.
Comment: Not observed in large population cohorts (Lek et al., 2016); In silico analysis, which includes protein predictors and evolutionary conservation, supports a deleterious effect; Has not been previously published as pathogenic or benign to our knowledge